The following is an entry in ClinVar:

NM_001012614.2(CTBP1):c.166C>G (p.Leu56Val)

Gene: CTBP1 (C-terminal binding protein 1; minus strand). Cytogenetic location: 4p16.3.
Variant type: single nucleotide variant.
Coding change: c.166C>G on transcript NM_001012614.2 (MANE Select); coding-DNA position 166, C replaced by G.
Protein change: p.Leu56Val; replaces leucine 56 with valine.
Molecular consequence: missense variant.
Genome position (GRCh38, 1-based): chr4:1,228,340, G>C on the plus strand (C>G on the coding strand, the complement: CTBP1 is on the minus strand). VCF-style: chr4-1228340-G-C. GRCh37 (hg19) VCF-style: chr4-1222128-G-C.
Other names: c.199C>G, p.Leu67Val (NM_001328.3, NM_001377186.1); c.166C>G, p.Leu56Val (NM_001377187.1, NM_001377188.1, NM_001377189.1 and 4 more transcripts); short protein forms L56V, L67V.
Identifiers: ClinVar variation 4540372 (VCV004540372.2).
Genomic context (GRCh38, chr4:1,228,340, plus strand): 5'-CCAGGTCCTCCCTGGTGAGAGTGATGGTGTGGTACATCAGGGCCCCCACAGCCTCGTTCA[G>C]GACCTGCAGCGAGAAAGCACACAGGCTCAGCCCGGAACCTGAAGACCCTCGGGCTTGGCC-3'
Protein context (NP_001012632.1, residues 46-66): QSTQEIHEKV[Leu56Val]NEAVGALMYH

ClinVar aggregate classification (germline): Uncertain significance (1 of 4 stars; one submission).

Submission:

GeneDx
Classification: Uncertain significance. Last evaluated: 2026-03-07. Review status: criteria provided, single submitter. Criteria: GeneDx Variant Classification Process June 2021. Collection method: clinical testing. Allele origin: germline.
Comment: Not observed at significant frequency in large population cohorts (gnomAD); In silico analysis supports that this missense variant has a deleterious effect on protein structure/function; Has not been previously published as pathogenic or benign to our knowledge